The following is an entry in ClinVar:

ClinVar aggregate classification (germline): Uncertain significance. Review status: criteria provided, multiple submitters, no conflicts (2 of 4 stars). 2 submissions from 2 submitters: Uncertain significance (2). Last evaluated 2025-01-09.

Conditions:
STIM1-related disorder. Also called: STIM1-related condition.

gnomAD v4.1: 6 of 1,558,238 alleles (0.00039%); highest among the groups gnomAD compares: East Asian, 0.012%; no homozygotes.

Submissions (2):

PreventionGenetics, part of Exact Sciences
Classification: Uncertain significance for STIM1-related condition. Last evaluated: 2025-01-09. Review status: criteria provided, single submitter. Criteria: ACMG Guidelines, 2015. Collection method: clinical testing. Allele origin: germline.
Comment: The STIM1 c.1649G>A variant is predicted to result in the amino acid substitution p.Ser550Asn. To our knowledge, this variant has not been reported in the literature. This variant is reported in 0.029% of alleles in individuals of East Asian descent in gnomAD. At this time, the clinical significance of this variant is uncertain due to the absence of conclusive functional and genetic evidence.

Blueprint Genetics
Classification: Uncertain significance. Last evaluated: 2022-12-28. Review status: criteria provided, single submitter. Criteria: ACMG Guidelines, 2015. Collection method: clinical testing. Allele origin: germline.

NM_001382567.1(STIM1):c.1634+108G>A

Gene: STIM1 (stromal interaction molecule 1; plus strand). Cytogenetic location: 11p15.4.
Variant type: single nucleotide variant.
Coding change: c.1634+108G>A on transcript NM_001382567.1 (MANE Select); 108 bases into the intron after coding-DNA position 1634, G replaced by A.
Molecular consequence: intron variant. On other transcripts: missense variant (2).
Genome position (GRCh38, 1-based): chr11:4,086,651, G>A. VCF-style: chr11-4086651-G-A. GRCh37 (hg19) VCF-style: chr11-4107881-G-A.
Other names: c.1649G>A, p.Ser550Asn (NM_001277961.3); c.1427G>A, p.Ser476Asn (NM_001382566.1); c.1319+108G>A (NM_001382578.1, NM_001382575.1, NM_001382576.1 and 2 more transcripts); c.1052+108G>A (NM_001382580.1, NM_001382581.1); c.1562+108G>A (NM_001382568.1); c.1541+108G>A (NM_001277962.2, NM_003156.4); c.1313+108G>A (NM_001382570.1); c.1406+108G>A (NM_001382569.1); and 2 more; short protein forms S476N, S550N.
Identifiers: ClinVar variation 4910405 (VCV004910405.2).